The following is an entry in ClinVar:

ClinVar aggregate classification (germline): Uncertain significance (1 of 4 stars; one submission).

Conditions:
Melanoma, cutaneous malignant, susceptibility to, 8. Also called: Cutaneous malignant melanoma 8; MELANOMA AND RENAL CELL CARCINOMA, SUSCEPTIBILITY TO. Identifiers: Orphanet 293822, MedGen C3152204, MONDO:0013759, OMIM 614456.
Tietz syndrome (TADS). Also called: HYPOPIGMENTATION/DEAFNESS OF TIETZ; TIETZ ALBINISM-DEAFNESS SYNDROME; ALBINISM-DEAFNESS OF TIETZ. Identifiers: Orphanet 42665, MedGen C0391816, MONDO:0007077, OMIM 103500.
Waardenburg syndrome type 2A (WS2A). Also called: WAARDENBURG SYNDROME WITHOUT DYSTOPIA CANTHORUM. Identifiers: Orphanet 3440, MedGen C1860339, MONDO:0008671, OMIM 193510.

Allele frequency attached by ClinVar (database versions not stated): gnomAD exomes below 0.00001.
gnomAD v4.1: 3 of 1,613,840 alleles (0.00019%); highest among the groups gnomAD compares: Middle Eastern, 0.05%; no homozygotes.

Submission:

Labcorp Genetics (formerly Invitae), Labcorp
Classification: Uncertain significance for Melanoma, cutaneous malignant, susceptibility to, 8; Waardenburg syndrome type 2A; Tietz syndrome. Last evaluated: 2022-05-15. Review status: criteria provided, single submitter. Criteria: Invitae Variant Classification Sherloc (09022015). Collection method: clinical testing. Allele origin: germline.
Comment: This sequence change falls in intron 2 of the MITF gene. It does not directly change the encoded amino acid sequence of the MITF protein. It affects a nucleotide within the consensus splice site. This variant is present in population databases (no rsID available, gnomAD 0.0009%). Variants that disrupt the consensus splice site are a relatively common cause of aberrant splicing (PMID: 17576681, 9536098). Algorithms developed to predict the effect of sequence changes on RNA splicing suggest that this variant may disrupt the consensus splice site. In summary, the available evidence is currently insufficient to determine the role of this variant in disease. Therefore, it has been classified as a Variant of Uncertain Significance. This variant has not been reported in the literature in individuals affected with MITF-related conditions.

Literature cited by the submitters: PubMed 17576681; PubMed 9536098.

NM_001354604.2(MITF):c.583-3C>T

Gene: MITF (melanocyte inducing transcription factor; plus strand). Cytogenetic location: 3p13.
Variant type: single nucleotide variant.
Coding change: c.583-3C>T on transcript NM_001354604.2 (MANE Select); 3 bases into the intron before coding-DNA position 583, C replaced by T.
Molecular consequence: intron variant.
Genome position (GRCh38, 1-based): chr3:69,939,095, C>T. VCF-style: chr3-69939095-C-T. GRCh37 (hg19) VCF-style: chr3-69988246-C-T.
Other names: c.532-3C>T (NM_001354607.2); c.427-3C>T (NM_001354608.2, NM_001184967.2); c.583-3C>T (NM_198159.3); c.580-3C>T (NM_001354605.2, NM_001354606.2, NM_006722.3); c.535-3C>T (NM_198177.3); c.262-3C>T (NM_000248.4, NM_198158.3); c.94-3C>T (NM_198178.3).
Identifiers: ClinVar variation 1994531 (VCV001994531.4), dbSNP rs1293160128, ClinGen allele CA543810358.